The following is an entry in ClinVar:

ClinVar aggregate classification (germline): Uncertain significance (1 of 4 stars; one submission).

gnomAD v4.1: 3 of 1,613,984 alleles (0.00019%); highest among the groups gnomAD compares: Non-Finnish European, 0.00017%; no homozygotes.

Submission:

Labcorp Genetics (formerly Invitae), Labcorp
Classification: Uncertain significance. Last evaluated: 2024-07-31. Review status: criteria provided, single submitter. Criteria: Invitae Variant Classification Sherloc (09022015). Collection method: clinical testing. Allele origin: germline.
Comment: This sequence change replaces cysteine, which is neutral and slightly polar, with tyrosine, which is neutral and polar, at codon 544 of the RNF168 protein (p.Cys544Tyr). This variant is not present in population databases (gnomAD no frequency). This variant has not been reported in the literature in individuals affected with RNF168-related conditions. An algorithm developed to predict the effect of missense changes on protein structure and function outputs the following: PolyPhen-2: "Benign". The tyrosine amino acid residue is found in multiple mammalian species, which suggests that this missense change does not adversely affect protein function. In summary, the available evidence is currently insufficient to determine the role of this variant in disease. Therefore, it has been classified as a Variant of Uncertain Significance.

NM_152617.4(RNF168):c.1631G>A (p.Cys544Tyr)

Gene: RNF168 (ring finger protein 168; minus strand). Cytogenetic location: 3q29.
Variant type: single nucleotide variant.
Coding change: c.1631G>A on transcript NM_152617.4 (MANE Select); coding-DNA position 1631, G replaced by A.
Protein change: p.Cys544Tyr; replaces cysteine 544 with tyrosine.
Molecular consequence: missense variant.
Genome position (GRCh38, 1-based): chr3:196,471,904, C>T on the plus strand (G>A on the coding strand, the complement: RNF168 is on the minus strand). VCF-style: chr3-196471904-C-T. GRCh37 (hg19) VCF-style: chr3-196198775-C-T.
Other names: short protein forms C544Y.
Identifiers: ClinVar variation 3700843 (VCV003700843.1).